The following is an entry in ClinVar:

NM_003995.4(NPR2):c.1313C>T (p.Pro438Leu)

Gene: NPR2 (natriuretic peptide receptor 2; plus strand). Cytogenetic location: 9p13.3.
Variant type: single nucleotide variant.
Coding change: c.1313C>T on transcript NM_003995.4 (MANE Select); coding-DNA position 1313, C replaced by T.
Protein change: p.Pro438Leu; replaces proline 438 with leucine.
Molecular consequence: missense variant.
Genome position (GRCh38, 1-based): chr9:35,800,803, C>T. VCF-style: chr9-35800803-C-T. GRCh37 (hg19) VCF-style: chr9-35800800-C-T.
Other names: short protein forms P438L.
Identifiers: ClinVar variation 843685 (VCV000843685.2), dbSNP rs778410447, ClinGen allele CA5051652.
Genomic context (GRCh38, chr9:35,800,803, plus strand): 5'-TTTGGTGGACGGGACGGCCTATTCCCTGGGTGAAGGGGGCTCCTCCCTCGGACAATCCCC[C>T]CTGTGCCTTTGACTTGGACGACCCATCCTGTGATAAAAGTGGGTGTGTGCAGGGACTGGG-3'
Protein context (NP_003986.2, residues 428-448): VKGAPPSDNP[Pro438Leu]CAFDLDDPSC

ClinVar aggregate classification (germline): Uncertain significance. Review status: criteria provided, multiple submitters, no conflicts (2 of 4 stars). 2 submissions from 2 submitters: Uncertain significance (2). Last evaluated 2024-01-03.

Conditions:
Inborn genetic diseases. Identifiers: MedGen C0950123, MeSH D030342.
Acromesomelic dysplasia 1, Maroteaux type (AMD1). Also called: ACROMESOMELIC DYSPLASIA 1; ST. HELENA DYSPLASIA. Identifiers: Orphanet 40, MedGen C1864356, MONDO:0011275, OMIM 602875.
Tall stature-scoliosis-macrodactyly of the great toes syndrome. Also called: Epiphyseal chondrodysplasia, miura type. Identifiers: Orphanet 329191, MedGen C4014690, MONDO:0014401, OMIM 615923.

Allele frequency attached by ClinVar (database versions not stated): TOPMed below 0.00001; ExAC 0.00006.

Submissions (2):

Ambry Genetics
Classification: Uncertain significance for Inborn genetic diseases. Last evaluated: 2024-01-03. Review status: criteria provided, single submitter. Criteria: Ambry Variant Classification Scheme 2023. Collection method: clinical testing. Allele origin: germline.

Labcorp Genetics (formerly Invitae), Labcorp
Classification: Uncertain significance for Epiphyseal chondrodysplasia, miura type; Acromesomelic dysplasia Maroteaux type. Last evaluated: 2019-02-08. Review status: criteria provided, single submitter. Criteria: Invitae Variant Classification Sherloc (09022015). Collection method: clinical testing. Allele origin: germline.
Comment: This sequence change replaces proline with leucine at codon 438 of the NPR2 protein (p.Pro438Leu). The proline residue is highly conserved and there is a moderate physicochemical difference between proline and leucine. This variant is present in population databases (rs778410447, ExAC 0.01%). This variant has not been reported in the literature in individuals with NPR2-related conditions. Algorithms developed to predict the effect of missense changes on protein structure and function are either unavailable or do not agree on the potential impact of this missense change (SIFT: "Deleterious"; PolyPhen-2: "Benign"; Align-GVGD: "Class C65"). In summary, the available evidence is currently insufficient to determine the role of this variant in disease. Therefore, it has been classified as a Variant of Uncertain Significance.